The following is an entry in ClinVar:

NM_006031.6(PCNT):c.4976_4980del (p.Lys1659fs)

Gene: PCNT (pericentrin; plus strand). Cytogenetic location: 21q22.3.
Variant type: Deletion.
Coding change: c.4976_4980del on transcript NM_006031.6 (MANE Select); coding-DNA positions 4976 to 4980, 5 bases deleted (AAGAA; older notation c.4976_4980delAAGAA).
Protein change: p.Lys1659fs; shifts the reading frame from lysine 1659.
Molecular consequence: frameshift variant.
Genome position (GRCh38, 1-based): chr21:46,402,344-46,402,348, AAGAA deleted; deleting any 5 consecutive bases within chr21:46,402,342-46,402,348 gives the same sequence; the c. name uses the placement nearest the transcript's 3' end. VCF-style (leftmost placement, unchanged base first): chr21-46402341-TAAAAG-T. GRCh37 (hg19) VCF-style: chr21-47822255-TAAAAG-T.
Other names: c.4622_4626del, p.Lys1541fs (NM_001315529.2); short protein forms K1541fs, K1659fs.
Identifiers: ClinVar variation 2737017 (VCV002737017.3), dbSNP rs756170729, ClinGen allele CA10079855.
Genomic context (GRCh38, chr21:46,402,341, plus strand): 5'-TAGAATATTAGATGACTTTTAATACTTTTCTTCTTTTGTTTTAATGAAAGGTTTTGGACT[TAAAAG>T]AACAGCTAGAAAAGATGAAAGGTGACTTAGAAAGTAAAAATGAAGAAATACTACATCTGA-3'

ClinVar aggregate classification (germline): Pathogenic (1 of 4 stars; one submission).

Submission:

Labcorp Genetics (formerly Invitae), Labcorp
Classification: Pathogenic. Last evaluated: 2023-03-19. Review status: criteria provided, single submitter. Criteria: Invitae Variant Classification Sherloc (09022015). Collection method: clinical testing. Allele origin: germline.
Comment: For these reasons, this variant has been classified as Pathogenic. This variant is also known as c.4974_4978delAAAAG (p.L1658fsX1666). This premature translational stop signal has been observed in individual(s) with microcephalic osteodysplastic primordial dwarfism (PMID: 18174396). This sequence change creates a premature translational stop signal (p.Lys1659Thrfs*8) in the PCNT gene. It is expected to result in an absent or disrupted protein product. Loss-of-function variants in PCNT are known to be pathogenic (PMID: 18174396, 22821869). This variant is present in population databases (rs756170729, gnomAD 0.003%).

Literature cited by the submitters: PubMed 18174396; PubMed 22821869.